The following is an entry in ClinVar:

NM_024577.4(SH3TC2):c.3846TGG[2] (p.Gly1285del)

Gene: SH3TC2 (SH3 domain and tetratricopeptide repeats 2; minus strand). Cytogenetic location: 5q32.
Variant type: Microsatellite.
Coding change: c.3846TGG[2] on transcript NM_024577.4 (MANE Select); two copies in a row of the 3-base unit TGG starting at c.3846; the reference has three copies in a row; one copy, 3 bases deleted.
Protein change: p.Gly1285del; deletes glycine 1285.
Molecular consequence: inframe deletion.
Genome position (GRCh38, 1-based): chr5:149,004,724-149,004,726, CCA deleted on the plus strand (TGG on the coding strand, the reverse complement: SH3TC2 is on the minus strand); deleting any 3 consecutive bases within chr5:149,004,724-149,004,733 gives the same sequence; the position shown is the placement nearest the transcript's 3' end. VCF-style (leftmost placement, unchanged base first): chr5-149004723-GCCA-G. GRCh37 (hg19) VCF-style: chr5-148384286-GCCA-G.
Other names: c.3852_3854delTGG (NM_024577.3); short protein forms G1285del.
Identifiers: ClinVar variation 543320 (VCV000543320.8), dbSNP rs1554120043, ClinGen allele CA658796659.
Genomic context (GRCh38, chr5:149,004,723, plus strand): 5'-GGGTCAGAGTCTGGCCATGCCAAATGTCCAGAGACAGGACAGCTTTCCTCAGAGGGCCAG[GCCA>G]CCACCACTCAGCCACCGCGCCCTCTCTGAGGAGCACCCGGAGGGCCTGCTGTGCCACAGG-3'

ClinVar aggregate classification (germline): Uncertain significance (1 of 4 stars; one submission).

Conditions:
Charcot-Marie-Tooth disease type 4. Also called: Charcot-Marie-Tooth, Type 4; Charcot-Marie-Tooth disease, type IV. Identifiers: Orphanet 64749, MedGen C4082197, MONDO:0018995.

Submission:

Labcorp Genetics (formerly Invitae), Labcorp
Classification: Uncertain significance for Charcot-Marie-Tooth disease type 4. Last evaluated: 2017-10-30. Review status: criteria provided, single submitter. Criteria: Invitae Variant Classification Sherloc (09022015). Collection method: clinical testing. Allele origin: germline.
Comment: In summary, the available evidence is currently insufficient to determine the role of this variant in disease. Therefore, it has been classified as a Variant of Uncertain Significance. Experimental studies and prediction algorithms are not available for this variant, and the functional significance of the deleted amino acid is currently unknown. This variant has not been reported in the literature in individuals with SH3TC2-related disease. This variant is not present in population databases (ExAC no frequency). This variant, c.3852_3854delTGG, results in the deletion of 1 amino acid(s) of the SH3TC2 protein (p.Gly1285del), but otherwise preserves the integrity of the reading frame.